The following is an entry in ClinVar:

ClinVar aggregate classification (germline): Uncertain significance (1 of 4 stars; one submission).

Conditions:
Mitochondrial trifunctional protein deficiency. Identifiers: Orphanet 746, MedGen C1969443, MONDO:0012172.

Allele frequency attached by ClinVar (database versions not stated): gnomAD exomes below 0.00001; ExAC 0.00001; TOPMed 0.00002; 1000 Genomes Project 30x 0.00016; 1000 Genomes Project 0.00020.
gnomAD v4.1: 5 of 1,593,564 alleles (0.00031%); highest among the groups gnomAD compares: Middle Eastern, 0.017%; no homozygotes.

Submission:

Labcorp Genetics (formerly Invitae), Labcorp
Classification: Uncertain significance for Mitochondrial trifunctional protein deficiency. Last evaluated: 2022-08-06. Review status: criteria provided, single submitter. Criteria: Invitae Variant Classification Sherloc (09022015). Collection method: clinical testing. Allele origin: germline.
Comment: This sequence change replaces valine, which is neutral and non-polar, with phenylalanine, which is neutral and non-polar, at codon 38 of the HADHB protein (p.Val38Phe). This variant is present in population databases (rs553040477, gnomAD 0.0009%). This variant has not been reported in the literature in individuals affected with HADHB-related conditions. Algorithms developed to predict the effect of missense changes on protein structure and function (SIFT, PolyPhen-2, Align-GVGD) all suggest that this variant is likely to be tolerated. In summary, the available evidence is currently insufficient to determine the role of this variant in disease. Therefore, it has been classified as a Variant of Uncertain Significance.

NM_000183.3(HADHB):c.112G>T (p.Val38Phe)

Gene: HADHB (hydroxyacyl-CoA dehydrogenase trifunctional multienzyme complex subunit beta; plus strand). Cytogenetic location: 2p23.3.
Variant type: single nucleotide variant.
Coding change: c.112G>T on transcript NM_000183.3 (MANE Select); coding-DNA position 112, G replaced by T.
Protein change: p.Val38Phe; replaces valine 38 with phenylalanine.
Molecular consequence: missense variant.
Genome position (GRCh38, 1-based): chr2:26,263,382, G>T. VCF-style: chr2-26263382-G-T. GRCh37 (hg19) VCF-style: chr2-26486250-G-T.
Other names: c.112G>T, p.Val38Phe (NM_001281512.2); c.46G>T, p.Val16Phe (NM_001281513.2); short protein forms V38F, V16F.
Identifiers: ClinVar variation 1979779 (VCV001979779.1), dbSNP rs553040477, ClinGen allele CA1560099.